The following is an entry in ClinVar:

NM_000090.4(COL3A1):c.3260C>T (p.Pro1087Leu)

Gene: COL3A1 (collagen type III alpha 1 chain; plus strand). Cytogenetic location: 2q32.2.
Variant type: single nucleotide variant.
Coding change: c.3260C>T on transcript NM_000090.4 (MANE Select); coding-DNA position 3260, C replaced by T.
Protein change: p.Pro1087Leu; replaces proline 1087 with leucine.
Molecular consequence: missense variant.
Genome position (GRCh38, 1-based): chr2:189,007,504, C>T. VCF-style: chr2-189007504-C-T. GRCh37 (hg19) VCF-style: chr2-189872230-C-T.
Other names: short protein forms P1087L.
Identifiers: ClinVar variation 967327 (VCV000967327.9), dbSNP rs576166457, ClinGen allele CA62561308.

ClinVar aggregate classification (germline): Uncertain significance. Review status: criteria provided, multiple submitters, no conflicts (2 of 4 stars). 2 submissions from 2 submitters: Uncertain significance (2). Last evaluated 2025-07-21.

Conditions:
Polymicrogyria with or without vascular-type Ehlers-Danlos syndrome. Identifiers: Orphanet 636941, MedGen C5193040, MONDO:0032688, OMIM 618343.
Ehlers-Danlos syndrome, type 4 (EDSVASC). Also called: Ehlers-Danlos syndrome vascular type; Ehlers Danlos syndrome, ecchymotic type; Ehlers Danlos syndrome, arterial type; Ehlers Danlos syndrome, Sack-Barabas type; Ehlers-Danlos Syndrome Type IV. Identifiers: Orphanet 286, MedGen C0268338, MONDO:0017314, OMIM 130050.

Allele frequency attached by ClinVar (database versions not stated): gnomAD 0.00001; gnomAD exomes below 0.00001.
gnomAD v4.1: 2 of 1,612,574 alleles (0.00012%); highest among the groups gnomAD compares: Admixed American, 0.0017%; no homozygotes.

Submissions (2):

Labcorp Genetics (formerly Invitae), Labcorp
Classification: Uncertain significance for Ehlers-Danlos syndrome, type 4. Last evaluated: 2025-07-21. Review status: criteria provided, single submitter. Criteria: Invitae Variant Classification Sherloc (09022015). Collection method: clinical testing. Allele origin: germline.
Comment: This sequence change replaces proline, which is neutral and non-polar, with leucine, which is neutral and non-polar, at codon 1087 of the COL3A1 protein (p.Pro1087Leu). This variant is not present in population databases (gnomAD no frequency). This variant has not been reported in the literature in individuals affected with COL3A1-related conditions. ClinVar contains an entry for this variant (Variation ID: 967327). Invitae Evidence Modeling of protein sequence and biophysical properties (such as structural, functional, and spatial information, amino acid conservation, physicochemical variation, residue mobility, and thermodynamic stability) indicates that this missense variant is not expected to disrupt COL3A1 protein function with a negative predictive value of 95%. In summary, the available evidence is currently insufficient to determine the role of this variant in disease. Therefore, it has been classified as a Variant of Uncertain Significance.

Fulgent Genetics
Classification: Uncertain significance for Ehlers-Danlos syndrome, type 4; Polymicrogyria with or without vascular-type Ehlers-Danlos syndrome. Last evaluated: 2021-11-02. Review status: criteria provided, single submitter. Criteria: ACMG Guidelines, 2015. Collection method: clinical testing. Allele origin: unknown.